The following is an entry in ClinVar:

ClinVar aggregate classification (germline): Uncertain significance (1 of 4 stars; one submission).

gnomAD v4.1: 1 of 1,595,414 alleles (0.000063%); highest among the groups gnomAD compares: East Asian, 0.0022%; no homozygotes.

Submission:

Labcorp Genetics (formerly Invitae), Labcorp
Classification: Uncertain significance. Last evaluated: 2025-11-30. Review status: criteria provided, single submitter. Criteria: Invitae Variant Classification Sherloc (09022015). Collection method: clinical testing. Allele origin: germline.
Comment: This sequence change replaces threonine, which is neutral and polar, with isoleucine, which is neutral and non-polar, at codon 823 of the MYSM1 protein (p.Thr823Ile). This variant is not present in population databases (gnomAD no frequency). This variant has not been reported in the literature in individuals affected with MYSM1-related conditions. An algorithm developed to predict the effect of missense changes on protein structure and function outputs the following: PolyPhen-2: "Benign". The isoleucine amino acid residue is found in multiple mammalian species, which suggests that this missense change does not adversely affect protein function. In summary, the available evidence is currently insufficient to determine the role of this variant in disease. Therefore, it has been classified as a Variant of Uncertain Significance.

NM_001085487.3(MYSM1):c.2468C>T (p.Thr823Ile)

Gene: MYSM1 (Myb like, SWIRM and MPN domains 1; minus strand). Cytogenetic location: 1p32.1.
Variant type: single nucleotide variant.
Coding change: c.2468C>T on transcript NM_001085487.3 (MANE Select); coding-DNA position 2468, C replaced by T.
Protein change: p.Thr823Ile; replaces threonine 823 with isoleucine.
Molecular consequence: missense variant.
Genome position (GRCh38, 1-based): chr1:58,660,016, G>A on the plus strand (C>T on the coding strand, the complement: MYSM1 is on the minus strand). VCF-style: chr1-58660016-G-A. GRCh37 (hg19) VCF-style: chr1-59125688-G-A.
Other names: short protein forms T823I.
Identifiers: ClinVar variation 4745094 (VCV004745094.1).